The following is an entry in ClinVar:

NM_006231.4(POLE):c.3267del (p.Thr1090fs)

Gene: POLE (DNA polymerase epsilon, catalytic subunit; minus strand). Cytogenetic location: 12q24.33.
Variant type: Deletion.
Coding change: c.3267del on transcript NM_006231.4 (MANE Select); coding-DNA position 3267, one base deleted (C; older notation c.3267delC).
Protein change: p.Thr1090fs; shifts the reading frame from threonine 1090.
Molecular consequence: frameshift variant.
Genome position (GRCh38, 1-based): chr12:132,659,303, G deleted on the plus strand (C on the coding strand, the reverse complement: POLE is on the minus strand). VCF-style (leftmost placement, unchanged base first): chr12-132659302-TG-T. GRCh37 (hg19) VCF-style: chr12-133235888-TG-T.
Other names: short protein forms T1090fs.
Identifiers: ClinVar variation 2812729 (VCV002812729.3), dbSNP rs2542022469, ClinGen allele CA2739277437.

ClinVar aggregate classification (germline): Pathogenic (1 of 4 stars; one submission).

Submission:

Labcorp Genetics (formerly Invitae), Labcorp
Classification: Pathogenic. Last evaluated: 2025-03-15. Review status: criteria provided, single submitter. Criteria: Invitae Variant Classification Sherloc (09022015). Collection method: clinical testing. Allele origin: germline.
Comment: This sequence change creates a premature translational stop signal (p.Thr1090Argfs*16) in the POLE gene. It is expected to result in an absent or disrupted protein product. Loss-of-function variants in POLE are known to be pathogenic (PMID: 23230001, 25948378, 30503519). This variant is not present in population databases (gnomAD no frequency). This variant has not been reported in the literature in individuals affected with POLE-related conditions. ClinVar contains an entry for this variant (Variation ID: 2812729). For these reasons, this variant has been classified as Pathogenic.

Literature cited by the submitters: PubMed 23230001; PubMed 25948378; PubMed 30503519.